The following is an entry in ClinVar:

ClinVar aggregate classification (germline): Uncertain significance. Review status: criteria provided, multiple submitters, no conflicts (2 of 4 stars). 4 submissions from 4 submitters: Uncertain significance (4). Last evaluated 2025-11-26.

Conditions:
CLPX-related disorder. Also called: CLPX-related condition.

Allele frequency attached by ClinVar (database versions not stated): ESP Exome Variant Server 0.00015.
gnomAD v4.1: 320 of 1,611,042 alleles (0.02%); highest among the groups gnomAD compares: Non-Finnish European, 0.026%; no homozygotes.

Submissions (4):

Ambry Genetics
Classification: Uncertain significance. Last evaluated: 2025-11-26. Review status: criteria provided, single submitter. Criteria: Ambry Variant Classification Scheme 2023. Collection method: clinical testing. Allele origin: germline.

Mayo Clinic Laboratories, Mayo Clinic
Classification: Uncertain significance. Last evaluated: 2025-08-13. Review status: criteria provided, single submitter. Criteria: ACMG Guidelines, 2015. Collection method: clinical testing. Allele origin: germline. Observed: 1 variant allele.
Comment: BP4_moderate

PreventionGenetics, part of Exact Sciences
Classification: Uncertain significance for CLPX-related condition. Last evaluated: 2025-07-16. Review status: criteria provided, single submitter. Criteria: ACMG Guidelines, 2015. Collection method: clinical testing. Allele origin: germline.
Comment: The CLPX c.193G>T variant is predicted to result in the amino acid substitution p.Ala65Ser. To our knowledge, this variant has not been reported in the literature. This variant is reported in 0.012% of alleles in individuals of European (Non-Finnish) descent in gnomAD, which may be too frequent to be a primary cause of disease. Although we suspect that this variant may be benign, at this time, the clinical significance of this variant is uncertain due to the absence of conclusive functional and genetic evidence.

Labcorp Genetics (formerly Invitae), Labcorp
Classification: Uncertain significance. Last evaluated: 2025-03-17. Review status: criteria provided, single submitter. Criteria: Invitae Variant Classification Sherloc (09022015). Collection method: clinical testing. Allele origin: germline.
Comment: This sequence change replaces alanine, which is neutral and non-polar, with serine, which is neutral and polar, at codon 65 of the CLPX protein (p.Ala65Ser). This variant is present in population databases (rs147317582, gnomAD 0.01%). This variant has not been reported in the literature in individuals affected with CLPX-related conditions. ClinVar contains an entry for this variant (Variation ID: 1358995). An algorithm developed to predict the effect of missense changes on protein structure and function (PolyPhen-2) suggests that this variant is likely to be tolerated. In summary, the available evidence is currently insufficient to determine the role of this variant in disease. Therefore, it has been classified as a Variant of Uncertain Significance.

NM_006660.5(CLPX):c.193G>T (p.Ala65Ser)

Gene: CLPX (caseinolytic mitochondrial matrix peptidase chaperone subunit X; minus strand). Cytogenetic location: 15q22.31.
Variant type: single nucleotide variant.
Coding change: c.193G>T on transcript NM_006660.5 (MANE Select); coding-DNA position 193, G replaced by T.
Protein change: p.Ala65Ser; replaces alanine 65 with serine.
Molecular consequence: missense variant. On other transcripts: non-coding transcript variant (1).
Genome position (GRCh38, 1-based): chr15:65,180,091, C>A on the plus strand (G>T on the coding strand, the complement: CLPX is on the minus strand). VCF-style: chr15-65180091-C-A. GRCh37 (hg19) VCF-style: chr15-65472429-C-A.
Other names: p.Ala65Ser; c.193G>T (NM_006660.4, NM_006660.3); short protein forms A65S.
Identifiers: ClinVar variation 1358995 (VCV001358995.9), dbSNP rs147317582, ClinGen allele CA7614954.